The following is an entry in ClinVar:

NM_000541.5(SAG):c.488C>A (p.Ala163Asp)

Gene: SAG (S-antigen visual arrestin; plus strand). Cytogenetic location: 2q37.1.
Variant type: single nucleotide variant.
Coding change: c.488C>A on transcript NM_000541.5 (MANE Select); coding-DNA position 488, C replaced by A.
Protein change: p.Ala163Asp; replaces alanine 163 with aspartic acid.
Molecular consequence: missense variant.
Genome position (GRCh38, 1-based): chr2:233,327,173, C>A. VCF-style: chr2-233327173-C-A. GRCh37 (hg19) VCF-style: chr2-234235819-C-A.
Other names: short protein forms A163D.
Identifiers: ClinVar variation 841946 (VCV000841946.11), dbSNP rs201130629, ClinGen allele CA2174394.

ClinVar aggregate classification (germline): Conflicting classifications of pathogenicity. Review status: criteria provided, conflicting classifications (1 of 4 stars). 4 submissions from 4 submitters: Uncertain significance (2); Likely benign (2). Last evaluated 2026-09-15.

Conditions:
SAG-related disorder. Also called: SAG-related disorders; SAG-related condition.
Inborn genetic diseases. Identifiers: MedGen C0950123, MeSH D030342.

Allele frequency attached by ClinVar (database versions not stated): gnomAD exomes 0.00004 and 0.00010; ExAC 0.00014; 1000 Genomes Project 30x 0.00031; gnomAD 0.00032 and 0.00036; 1000 Genomes Project 0.00040; ESP Exome Variant Server 0.00040; TOPMed 0.00048.
gnomAD v4.1: 114 of 1,613,742 alleles (0.0071%); highest among the groups gnomAD compares: African/African-American, 0.14%; no homozygotes.

Submissions (4):

PreventionGenetics, part of Exact Sciences
Classification: Uncertain significance for SAG-related condition. Last evaluated: 2026-09-15. Review status: criteria provided, single submitter. Criteria: ACMG Guidelines, 2015. Collection method: clinical testing. Allele origin: germline.
Comment: The SAG c.488C>A variant is predicted to result in the amino acid substitution p.Ala163Asp. To our knowledge, this variant has not been reported in the literature. This variant is reported in 0.13% of alleles in individuals of African descent in gnomAD, which may be too common to be an unreported cause of disease. Although we suspect that this variant may be benign, at this time, the clinical significance of this variant is uncertain due to the absence of conclusive functional and genetic evidence.

Labcorp Genetics (formerly Invitae), Labcorp
Classification: Uncertain significance. Last evaluated: 2025-12-10. Review status: criteria provided, single submitter. Criteria: Invitae Variant Classification Sherloc (09022015). Collection method: clinical testing. Allele origin: germline.
Comment: This sequence change replaces alanine, which is neutral and non-polar, with aspartic acid, which is acidic and polar, at codon 163 of the SAG protein (p.Ala163Asp). This variant is present in population databases (rs201130629, gnomAD 0.1%). This variant has not been reported in the literature in individuals affected with SAG-related conditions. ClinVar contains an entry for this variant (Variation ID: 841946). An algorithm developed to predict the effect of missense changes on protein structure and function outputs the following: PolyPhen-2: "Benign". The aspartic acid amino acid residue is found in multiple mammalian species, which suggests that this missense change does not adversely affect protein function. In summary, the available evidence is currently insufficient to determine the role of this variant in disease. Therefore, it has been classified as a Variant of Uncertain Significance.

Blueprint Genetics
Classification: Likely benign. Last evaluated: 2024-04-10. Review status: criteria provided, single submitter. Criteria: ACMG Guidelines, 2015. Collection method: clinical testing. Allele origin: germline.

Ambry Genetics
Classification: Likely benign for Inborn genetic diseases. Last evaluated: 2024-04-06. Review status: criteria provided, single submitter. Criteria: Ambry Variant Classification Scheme 2023. Collection method: clinical testing. Allele origin: germline.